The following is an entry in ClinVar:

NM_000553.6(WRN):c.3244del (p.Val1082fs)

Gene: WRN (WRN RecQ like helicase; plus strand). Cytogenetic location: 8p12.
Variant type: Deletion.
Coding change: c.3244del on transcript NM_000553.6 (MANE Select); coding-DNA position 3244, one base deleted (G; older notation c.3244delG).
Protein change: p.Val1082fs; shifts the reading frame from valine 1082.
Molecular consequence: frameshift variant.
Genome position (GRCh38, 1-based): chr8:31,142,636, G deleted. VCF-style (leftmost placement, unchanged base first): chr8-31142635-TG-T. GRCh37 (hg19) VCF-style: chr8-31000151-TG-T.
Other names: c.3244delG (NM_000553.4); short protein forms V1082fs.
Identifiers: ClinVar variation 1076156 (VCV001076156.10), dbSNP rs745905108, ClinGen allele CA4704993.

ClinVar aggregate classification (germline): Pathogenic/Likely pathogenic. Review status: criteria provided, multiple submitters, no conflicts (2 of 4 stars). 5 submissions from 5 submitters: Pathogenic (2); Likely pathogenic (2). 1 of the submissions does not count toward it. Last evaluated 2026-01-26.

Conditions:
WRN-related disorder. Also called: WRN-related condition.
Werner syndrome (WRN). Identifiers: Orphanet 902, MedGen C0043119, MONDO:0010196, OMIM 277700.

Allele frequency attached by ClinVar (database versions not stated): gnomAD exomes below 0.00001; ExAC 0.00001.

Submissions (5):

Medical and Scientific Branch, Hong Kong Genome Institute
Classification: Pathogenic for Werner syndrome. Last evaluated: 2026-01-26. Review status: criteria provided, single submitter. Criteria: ACMG Guidelines, 2015. Collection method: clinical testing. Allele origin: unknown. Affected: yes.

Labcorp Genetics (formerly Invitae), Labcorp
Classification: Pathogenic for Werner syndrome. Last evaluated: 2025-06-05. Review status: criteria provided, single submitter. Criteria: Invitae Variant Classification Sherloc (09022015). Collection method: clinical testing. Allele origin: germline.
Comment: This sequence change creates a premature translational stop signal (p.Val1082Tyrfs*17) in the WRN gene. It is expected to result in an absent or disrupted protein product. Loss-of-function variants in WRN are known to be pathogenic (PMID: 16673358). This variant is present in population databases (rs745905108, gnomAD 0.006%). This variant has not been reported in the literature in individuals affected with WRN-related conditions. ClinVar contains an entry for this variant (Variation ID: 1076156). For these reasons, this variant has been classified as Pathogenic.

Baylor Genetics
Classification: Likely pathogenic for Werner syndrome. Last evaluated: 2024-01-06. Review status: criteria provided, single submitter. Criteria: ACMG Guidelines, 2015. Collection method: clinical testing. Allele origin: unknown.

Fulgent Genetics
Classification: Likely pathogenic for Werner syndrome. Last evaluated: 2022-02-03. Review status: criteria provided, single submitter. Criteria: ACMG Guidelines, 2015. Collection method: clinical testing. Allele origin: unknown.

PreventionGenetics, part of Exact Sciences
Classification: Likely pathogenic for WRN-related condition. Last evaluated: 2024-02-29. Review status: no assertion criteria provided. Collection method: clinical testing. Allele origin: germline. Not counted in ClinVar's aggregate classification.
Comment: The WRN c.3244delG variant is predicted to result in a frameshift and premature protein termination (p.Val1082Tyrfs*17). To our knowledge, this variant has not been reported in individuals with WRN-related disorders. This variant is reported in 0.0056% of alleles in individuals of East Asian descent in gnomAD. Frameshift variants in WRN are expected to be pathogenic. This variant is interpreted as likely pathogenic.

Literature cited by the submitters: PubMed 16673358 (cited by Labcorp Genetics (formerly Invitae), Labcorp).